The following is an entry in ClinVar:

ClinVar aggregate classification (germline): Uncertain significance (1 of 4 stars; one submission).

Conditions:
Emery-Dreifuss muscular dystrophy 5, autosomal dominant (EDMD5). Also called: EMERY-DREIFUSS MUSCULAR DYSTROPHY 5. Identifiers: Orphanet 261, MedGen C2751805, MONDO:0013072, OMIM 612999.

Submission:

Labcorp Genetics (formerly Invitae), Labcorp
Classification: Uncertain significance for Emery-Dreifuss muscular dystrophy 5, autosomal dominant. Last evaluated: 2024-08-12. Review status: criteria provided, single submitter. Criteria: Invitae Variant Classification Sherloc (09022015). Collection method: clinical testing. Allele origin: germline.
Comment: This sequence change replaces glutamic acid, which is acidic and polar, with glutamine, which is neutral and polar, at codon 6433 of the SYNE2 protein (p.Glu6433Gln). This variant is not present in population databases (gnomAD no frequency). This variant has not been reported in the literature in individuals affected with SYNE2-related conditions. ClinVar contains an entry for this variant (Variation ID: 1974443). An algorithm developed to predict the effect of missense changes on protein structure and function (PolyPhen-2) suggests that this variant is likely to be disruptive. In summary, the available evidence is currently insufficient to determine the role of this variant in disease. Therefore, it has been classified as a Variant of Uncertain Significance.

NM_182914.3(SYNE2):c.19297G>C (p.Glu6433Gln)

Gene: SYNE2 (spectrin repeat containing nuclear envelope protein 2; plus strand). Cytogenetic location: 14q23.2.
Variant type: single nucleotide variant.
Coding change: c.19297G>C on transcript NM_182914.3 (MANE Select); coding-DNA position 19297, G replaced by C.
Protein change: p.Glu6433Gln; replaces glutamic acid 6433 with glutamine.
Molecular consequence: missense variant.
Genome position (GRCh38, 1-based): chr14:64,214,434, G>C. VCF-style: chr14-64214434-G-C. GRCh37 (hg19) VCF-style: chr14-64681152-G-C.
Other names: c.19297G>C, p.Glu6433Gln (NM_015180.6); c.199G>C, p.Glu67Gln (NM_182913.4); short protein forms E6433Q, E67Q.
Identifiers: ClinVar variation 1974443 (VCV001974443.5), dbSNP rs2550167221, ClinGen allele CA389957119.